The following is an entry in ClinVar:

NM_006767.4(LZTR1):c.1067T>C (p.Val356Ala)

Gene: LZTR1 (leucine zipper like post translational regulator 1; plus strand). Cytogenetic location: 22q11.21.
Variant type: single nucleotide variant.
Coding change: c.1067T>C on transcript NM_006767.4 (MANE Select); coding-DNA position 1067, T replaced by C.
Protein change: p.Val356Ala; replaces valine 356 with alanine.
Molecular consequence: missense variant.
Genome position (GRCh38, 1-based): chr22:20,992,287, T>C. VCF-style: chr22-20992287-T-C. GRCh37 (hg19) VCF-style: chr22-21346576-T-C.
Other names: short protein forms V356A.
Identifiers: ClinVar variation 1472999 (VCV001472999.10), dbSNP rs777546040, ClinGen allele CA10118712.
Genomic context (GRCh38, chr22:20,992,287, plus strand): 5'-AAGTGCCCGAGCGAGCCTGTGCTTCCGAGGAGGTGCCCACCCTGACCTATGAGGAGCGGG[T>C]TGGCTTCAAGAAGTCCCGAGATGTGTTTGGCCTGGACTTTGGCACCACCTCAGCCAAGCA-3'
Protein context (NP_006758.2, residues 346-366): EVPTLTYEER[Val356Ala]GFKKSRDVFG

ClinVar aggregate classification (germline): Conflicting classifications of pathogenicity. Review status: criteria provided, conflicting classifications (1 of 4 stars). 2 submissions from 2 submitters: Uncertain significance (1); Likely benign (1). Last evaluated 2026-01-21.

Conditions:
Cardiovascular phenotype. Identifiers: MedGen CN230736.
Hereditary cancer-predisposing syndrome. Also called: Neoplastic Syndromes, Hereditary; Hereditary Cancer Syndrome; Tumor predisposition; Hereditary neoplastic syndrome. Identifiers: Orphanet 140162, MedGen C0027672, MeSH D009386, MONDO:0015356.

Allele frequency attached by ClinVar (database versions not stated): gnomAD exomes below 0.00001 and 0.00001; TOPMed below 0.00001; ExAC 0.00001.
gnomAD v4.1: 6 of 1,613,846 alleles (0.00037%); highest among the groups gnomAD compares: Non-Finnish European, 0.00051%; no homozygotes.

Submissions (2):

Labcorp Genetics (formerly Invitae), Labcorp
Classification: Uncertain significance. Last evaluated: 2026-01-21. Review status: criteria provided, single submitter. Criteria: Invitae Variant Classification Sherloc (09022015). Collection method: clinical testing. Allele origin: germline.
Comment: This sequence change replaces valine, which is neutral and non-polar, with alanine, which is neutral and non-polar, at codon 356 of the LZTR1 protein (p.Val356Ala). This variant is present in population databases (rs777546040, gnomAD 0.002%). This variant has not been reported in the literature in individuals affected with LZTR1-related conditions. ClinVar contains an entry for this variant (Variation ID: 1472999). Invitae Evidence Modeling of protein sequence and biophysical properties (such as structural, functional, and spatial information, amino acid conservation, physicochemical variation, residue mobility, and thermodynamic stability) indicates that this missense variant is not expected to disrupt LZTR1 protein function with a negative predictive value of 80%. In summary, the available evidence is currently insufficient to determine the role of this variant in disease. Therefore, it has been classified as a Variant of Uncertain Significance.

Ambry Genetics
Classification: Likely benign for Cardiovascular phenotype; Hereditary cancer-predisposing syndrome. Last evaluated: 2023-12-07. Review status: criteria provided, single submitter. Criteria: Ambry Variant Classification Scheme 2023. Collection method: clinical testing. Allele origin: germline.